The following is an entry in ClinVar:

NM_001348716.2(KDM6B):c.3195G>A (p.Pro1065=)

Gene: KDM6B (lysine demethylase 6B; plus strand). Cytogenetic location: 17p13.1.
Variant type: single nucleotide variant.
Coding change: c.3195G>A on transcript NM_001348716.2 (MANE Select); coding-DNA position 3195, G replaced by A.
Protein change: p.Pro1065=; no amino-acid change (proline 1065 retained).
Molecular consequence: synonymous variant.
Genome position (GRCh38, 1-based): chr17:7,849,483, G>A. VCF-style: chr17-7849483-G-A. GRCh37 (hg19) VCF-style: chr17-7752801-G-A.
Other names: c.3195G>A, p.Pro1065= (NM_001080424.2).
Identifiers: ClinVar variation 2672683 (VCV002672683.23), dbSNP rs372614245, ClinGen allele CA8361091.

ClinVar aggregate classification (germline): Likely benign (1 of 4 stars; one submission).

Allele frequency attached by ClinVar (database versions not stated): 1000 Genomes Project 0.00020; ESP Exome Variant Server 0.00008; 1000 Genomes Project 30x 0.00016; ExAC 0.00016.
gnomAD v4.1: 199 of 1,612,706 alleles (0.012%); highest among the groups gnomAD compares: South Asian, 0.043%; 2 homozygotes.

Submission:

CeGaT Center for Human Genetics Tuebingen
Classification: Likely benign. Last evaluated: 2023-11-01. Review status: criteria provided, single submitter. Criteria: CeGaT Center For Human Genetics Tuebingen Variant Classification Criteria Version 2. Collection method: clinical testing. Allele origin: germline. Affected: yes. Observed: 1 variant allele.
Comment: KDM6B: BP4, BP7